The following is an entry in ClinVar:

NM_032436.4(CHAMP1):c.1390G>A (p.Asp464Asn)

Gene: CHAMP1 (chromosome alignment maintaining phosphoprotein 1; plus strand). Cytogenetic location: 13q34.
Variant type: single nucleotide variant.
Coding change: c.1390G>A on transcript NM_032436.4 (MANE Select); coding-DNA position 1390, G replaced by A.
Protein change: p.Asp464Asn; replaces aspartic acid 464 with asparagine.
Molecular consequence: missense variant.
Genome position (GRCh38, 1-based): chr13:114,325,232, G>A. VCF-style: chr13-114325232-G-A. GRCh37 (hg19) VCF-style: chr13-115090707-G-A.
Other names: c.1390G>A, p.Asp464Asn (NM_001164144.3, NM_001164145.3); short protein forms D464N.
Identifiers: ClinVar variation 3370137 (VCV003370137.1).

ClinVar aggregate classification (germline): Uncertain significance (1 of 4 stars; one submission).

Submission:

GeneDx
Classification: Uncertain significance. Last evaluated: 2023-12-20. Review status: criteria provided, single submitter. Criteria: GeneDx Variant Classification Process June 2021. Collection method: clinical testing. Allele origin: germline. Affected: yes.
Comment: Not observed at significant frequency in large population cohorts (gnomAD); In silico analysis supports that this missense variant does not alter protein structure/function; Has not been previously published as pathogenic or benign to our knowledge